The following is an entry in ClinVar:

NM_000059.4(BRCA2):c.1903G>C (p.Asp635His)

Gene: BRCA2 (BRCA2 DNA repair associated; plus strand). Cytogenetic location: 13q13.1.
Variant type: single nucleotide variant.
Coding change: c.1903G>C on transcript NM_000059.4 (MANE Select); coding-DNA position 1903, G replaced by C.
Protein change: p.Asp635His; replaces aspartic acid 635 with histidine.
Molecular consequence: missense variant.
Genome position (GRCh38, 1-based): chr13:32,333,381, G>C. VCF-style: chr13-32333381-G-C. GRCh37 (hg19) VCF-style: chr13-32907518-G-C.
Other names: short protein forms D635H.
Identifiers: ClinVar variation 630563 (VCV000630563.16), dbSNP rs1566224604, ClinGen allele CA387767354.

ClinVar aggregate classification (germline): Conflicting classifications of pathogenicity. Review status: criteria provided, conflicting classifications (1 of 4 stars). 5 submissions from 5 submitters: Uncertain significance (4); Likely benign (1). Last evaluated 2025-08-09.

Conditions:
Hereditary breast ovarian cancer syndrome. Also called: Hereditary breast and ovarian cancer syndrome; Hereditary breast and ovarian cancer syndrome (HBOC); Hereditary breast and ovarian cancer; Hereditary breast and/or ovarian cancer syndrome; Breast and ovarian cancer; BRCA1- and BRCA2-Associated Hereditary Breast and Ovarian Cancer. Identifiers: Orphanet 145, MedGen C0677776, MeSH D061325, MONDO:0003582. Disease mechanism: loss of function.
Hereditary cancer-predisposing syndrome. Also called: Hereditary Cancer Syndrome; Neoplastic Syndromes, Hereditary; Tumor predisposition; Hereditary neoplastic syndrome. Identifiers: Orphanet 140162, MedGen C0027672, MeSH D009386, MONDO:0015356.
Breast-ovarian cancer, familial, susceptibility to, 2 (BROVCA2). Also called: BRCA2 Hereditary Breast and Ovarian Cancer. Identifiers: Orphanet 145, MedGen C2675520, MONDO:0012933, OMIM 612555. Disease mechanism: loss of function.

Allele frequency attached by ClinVar (database versions not stated): gnomAD exomes 0.00001.

Submissions (5):

Labcorp Genetics (formerly Invitae), Labcorp
Classification: Uncertain significance for Hereditary breast ovarian cancer syndrome. Last evaluated: 2025-08-09. Review status: criteria provided, single submitter. Criteria: Invitae Variant Classification Sherloc (09022015). Collection method: clinical testing. Allele origin: germline.
Comment: This sequence change replaces aspartic acid, which is acidic and polar, with histidine, which is basic and polar, at codon 635 of the BRCA2 protein (p.Asp635His). This variant is not present in population databases (gnomAD no frequency). This variant has not been reported in the literature in individuals affected with BRCA2-related conditions. ClinVar contains an entry for this variant (Variation ID: 630563). Invitae Evidence Modeling of protein sequence and biophysical properties (such as structural, functional, and spatial information, amino acid conservation, physicochemical variation, residue mobility, and thermodynamic stability) indicates that this missense variant is not expected to disrupt BRCA2 protein function with a negative predictive value of 95%. In summary, the available evidence is currently insufficient to determine the role of this variant in disease. Therefore, it has been classified as a Variant of Uncertain Significance.

Color Diagnostics, LLC DBA Color Health
Classification: Uncertain significance for Hereditary cancer-predisposing syndrome. Last evaluated: 2024-03-06. Review status: criteria provided, single submitter. Criteria: ACMG Guidelines, 2015. Collection method: clinical testing. Allele origin: germline.
Comment: This missense variant replaces aspartic acid with histidine at codon 635 of the BRCA2 protein. Computational prediction suggests that this variant may not impact protein structure and function. To our knowledge, functional studies have not been reported for this variant. This variant has not been reported in individuals affected with BRCA2-related disorders in the literature. This variant has not been identified in the general population by the Genome Aggregation Database (gnomAD). The available evidence is insufficient to determine the role of this variant in disease conclusively. Therefore, this variant is classified as a Variant of Uncertain Significance.

Ambry Genetics
Classification: Uncertain significance for Hereditary cancer-predisposing syndrome. Last evaluated: 2023-11-06. Review status: criteria provided, single submitter. Criteria: Ambry Variant Classification Scheme 2023. Collection method: clinical testing. Allele origin: germline.
Comment: The p.D635H variant (also known as c.1903G>C), located in coding exon 9 of the BRCA2 gene, results from a G to C substitution at nucleotide position 1903. The aspartic acid at codon 635 is replaced by histidine, an amino acid with similar properties. This amino acid position is not well conserved in available vertebrate species. In addition, this alteration is predicted to be tolerated by in silico analysis. Since supporting evidence is limited at this time, the clinical significance of this alteration remains unclear.

All of Us Research Program, National Institutes of Health
Classification: Uncertain significance for Breast-ovarian cancer, familial, susceptibility to, 2. Last evaluated: 2023-03-28. Review status: criteria provided, single submitter. Criteria: ACMG Guidelines, 2015. Collection method: clinical testing. Allele origin: germline. Inheritance: Autosomal dominant inheritance. Observed: 1 variant allele, 1 heterozygote.
Comment: This missense variant replaces aspartic acid with histidine at codon 635 of the BRCA2 protein. Computational prediction suggests that this variant may not impact protein structure and function (internally defined REVEL score threshold <= 0.5, PMID: 27666373). Splice site prediction tools suggest that this variant may not impact RNA splicing. To our knowledge, functional studies have not been performed for this variant. This variant has not been reported in individuals affected with hereditary cancer in the literature. This variant has not been identified in the general population by the Genome Aggregation Database (gnomAD). The available evidence is insufficient to determine the role of this variant in disease conclusively. Therefore, this variant is classified as a Variant of Uncertain Significance.

This study involves interpretation of variants in research participants for the purpose of population health screening. Participant phenotype was not available at the time of variant classification. Additional details can be found in publication PMID: 35346344, PMCID: PMC8962531

University of Washington Department of Laboratory Medicine, University of Washington
Classification: Likely benign for Hereditary cancer-predisposing syndrome. Last evaluated: 2023-03-23. Review status: criteria provided, single submitter. Criteria: Dines et al. (Genet Med. 2020). Collection method: curation. Allele origin: germline.
Comment: Missense variant in a coldspot region where missense variants are very unlikely to be pathogenic (PMID:31911673).

BRCA2 exon 10 coldspot. Reclassification based on statistical prior probability.